The following is an entry in ClinVar:

ClinVar aggregate classification (germline): Uncertain significance (1 of 4 stars; one submission).

Conditions:
Inborn genetic diseases. Identifiers: MedGen C0950123, MeSH D030342.

Submission:

Ambry Genetics
Classification: Uncertain significance for Inborn genetic diseases. Last evaluated: 2025-04-07. Review status: criteria provided, single submitter. Criteria: Ambry Variant Classification Scheme 2023. Collection method: clinical testing. Allele origin: germline.
Comment: The p.T5S variant (also known as c.14C>G), located in coding exon 1 of the FANCG gene, results from a C to G substitution at nucleotide position 14. The threonine at codon 5 is replaced by serine, an amino acid with similar properties. This amino acid position is conserved. In addition, this alteration is predicted to be tolerated by in silico analysis. Based on the available evidence, the clinical significance of this variant remains unclear.

NM_004629.2(FANCG):c.14C>G (p.Thr5Ser)

Gene: FANCG (FA complementation group G; minus strand). Cytogenetic location: 9p13.3.
Variant type: single nucleotide variant.
Coding change: c.14C>G on transcript NM_004629.2 (MANE Select); coding-DNA position 14, C replaced by G.
Protein change: p.Thr5Ser; replaces threonine 5 with serine.
Molecular consequence: missense variant.
Genome position (GRCh38, 1-based): chr9:35,079,511, G>C on the plus strand (C>G on the coding strand, the complement: FANCG is on the minus strand). VCF-style: chr9-35079511-G-C. GRCh37 (hg19) VCF-style: chr9-35079508-G-C.
Other names: short protein forms T5S.
Identifiers: ClinVar variation 4022481 (VCV004022481.1).
Genomic context (GRCh38, chr9:35,079,511, plus strand): 5'-CGAACGAGCCGGTCATTCTTTTCCCTCCACAGGTCCAGGCAGCTGGAGCCCACAGAGGTG[G>C]TCTGGCGGGACATGGTGGCCGAGGCTGGGCCCGGAGACCAGAAGCGGACTTAGGAAGGGT-3'
Protein context (NP_004620.1, residues 1-15): MSRQ[Thr5Ser]TSVGSSCLDL